The following is an entry in ClinVar:

ClinVar aggregate classification (germline): Pathogenic. Review status: criteria provided, multiple submitters, no conflicts (2 of 4 stars). 2 submissions from 2 submitters: Pathogenic (2). Last evaluated 2025-11-02.

Conditions:
Cardiovascular phenotype. Identifiers: MedGen CN230736.
Hypertrophic cardiomyopathy. Also called: HYPERTROPHIC MYOCARDIOPATHY. Identifiers: Orphanet 217569, MedGen C0007194, MeSH D002312, MONDO:0005045, HP:0001639.

Submissions (2):

Labcorp Genetics (formerly Invitae), Labcorp
Classification: Pathogenic for Hypertrophic cardiomyopathy. Last evaluated: 2025-11-02. Review status: criteria provided, single submitter. Criteria: Invitae Variant Classification Sherloc (09022015). Collection method: clinical testing. Allele origin: germline.
Comment: This sequence change creates a premature translational stop signal (p.Glu1156Serfs*33) in the MYBPC3 gene. It is expected to result in an absent or disrupted protein product. Loss-of-function variants in MYBPC3 are known to be pathogenic (PMID: 19574547). This variant is not present in population databases (gnomAD no frequency). This variant has not been reported in the literature in individuals affected with MYBPC3-related conditions. ClinVar contains an entry for this variant (Variation ID: 2017183). For these reasons, this variant has been classified as Pathogenic.

Ambry Genetics
Classification: Pathogenic for Cardiovascular phenotype. Last evaluated: 2024-01-05. Review status: criteria provided, single submitter. Criteria: Ambry Variant Classification Scheme 2023. Collection method: clinical testing. Allele origin: germline.
Comment: The c.3466delG pathogenic mutation, located in coding exon 31 of the MYBPC3 gene, results from a deletion of one nucleotide at nucleotide position 3466, causing a translational frameshift with a predicted alternate stop codon (p.E1156Sfs*33). This variant is considered to be rare based on population cohorts in the Genome Aggregation Database (gnomAD). This alteration is expected to result in loss of function by premature protein truncation or nonsense-mediated mRNA decay. As such, this alteration is interpreted as a disease-causing mutation.

Literature cited by the submitters: PubMed 19574547 (cited by Labcorp Genetics (formerly Invitae), Labcorp).

NM_000256.3(MYBPC3):c.3466del (p.Glu1156fs)

Gene: MYBPC3 (myosin binding protein C3; minus strand). Cytogenetic location: 11p11.2.
Variant type: Deletion.
Coding change: c.3466del on transcript NM_000256.3 (MANE Select); coding-DNA position 3466, one base deleted (G; older notation c.3466delG).
Protein change: p.Glu1156fs; shifts the reading frame from glutamic acid 1156.
Molecular consequence: frameshift variant.
Genome position (GRCh38, 1-based): chr11:47,332,838, C deleted on the plus strand (G on the coding strand, the reverse complement: MYBPC3 is on the minus strand); the first of 2 consecutive C bases (chr11:47,332,838-47,332,839); deleting either gives the same sequence. VCF-style (leftmost placement, unchanged base first): chr11-47332837-TC-T. GRCh37 (hg19) VCF-style: chr11-47354388-TC-T.
Other names: c.3466delG (NM_000256.3); short protein forms E1156fs.
Identifiers: ClinVar variation 2017183 (VCV002017183.5), dbSNP rs2495738554, ClinGen allele CA2580084215.